The following is an entry in ClinVar:

NM_001038603.3(MARVELD2):c.331G>A (p.Asp111Asn)

Gene: MARVELD2 (MARVEL domain containing 2; plus strand). Cytogenetic location: 5q13.2.
Variant type: single nucleotide variant.
Coding change: c.331G>A on transcript NM_001038603.3 (MANE Select); coding-DNA position 331, G replaced by A.
Protein change: p.Asp111Asn; replaces aspartic acid 111 with asparagine.
Molecular consequence: missense variant.
Genome position (GRCh38, 1-based): chr5:69,419,716, G>A. VCF-style: chr5-69419716-G-A. GRCh37 (hg19) VCF-style: chr5-68715543-G-A.
Other names: c.331G>A, p.Asp111Asn (NM_001244734.2); short protein forms D111N.
Identifiers: ClinVar variation 43845 (VCV000043845.4), dbSNP rs397516553, ClinGen allele CA133015.

ClinVar aggregate classification (germline): Likely benign (1 of 4 stars; one submission).

Allele frequency attached by ClinVar (database versions not stated): gnomAD 0.00001 and 0.00002; ExAC 0.00002; gnomAD exomes 0.00002 and 0.00004; TOPMed 0.00004.
gnomAD v4.1: 30 of 1,613,980 alleles (0.0019%); highest among the groups gnomAD compares: Admixed American, 0.012%; no homozygotes.

Submission:

Laboratory for Molecular Medicine, Mass General Brigham Personalized Medicine
Classification: Likely benign. Last evaluated: 2013-03-01. Review status: criteria provided, single submitter. Criteria: LMM Criteria. Collection method: clinical testing. Allele origin: germline. Observed: 1 variant allele.
Comment: Asp111Asn in exon 2 of MARVELD2: This variant is not expected to have clinical s ignificance due to a lack of conservation across several mammals and distant spe cies. Of note, sloth has an asparagine (Asn) at this position despite high nearb y amino acid conservation. In addition, computational analyses (biochemical prop erties, PolyPhen 2, SIFT, AlignGVGD) predict that this variant is not likely to impact the protein.